The following is an entry in ClinVar:

NM_020937.4(FANCM):c.5067G>A (p.Ala1689=)

Gene: FANCM (FA complementation group M; plus strand). Cytogenetic location: 14q21.2.
Variant type: single nucleotide variant.
Coding change: c.5067G>A on transcript NM_020937.4 (MANE Select); coding-DNA position 5067, G replaced by A.
Protein change: p.Ala1689=; no amino-acid change (alanine 1689 retained).
Molecular consequence: synonymous variant.
Genome position (GRCh38, 1-based): chr14:45,189,089, G>A. VCF-style: chr14-45189089-G-A. GRCh37 (hg19) VCF-style: chr14-45658292-G-A.
Other names: c.5067G>A (NM_020937.3); c.4989G>A, p.Ala1663= (NM_001308133.2).
Identifiers: ClinVar variation 696064 (VCV000696064.44), dbSNP rs148900115, ClinGen allele CA7169899.
Genomic context (GRCh38, chr14:45,189,089, plus strand): 5'-ACCAGATGATTCAAGTGAGGAGGAGAACAATGTAAATGATAAAAGAGAATCTAATATTGC[G>A]GTTAACCCAAGCACTGTTAAGAAGAACAAACAACAGGACCATTGTTTAAATTCAGTGCCT-3'
Protein context (NP_065988.1, residues 1679-1699): NVNDKRESNI[Ala1689=]VNPSTVKKNK

ClinVar aggregate classification (germline): Benign/Likely benign. Review status: criteria provided, multiple submitters, no conflicts (2 of 4 stars). 8 submissions from 8 submitters: Benign (1); Likely benign (7). Last evaluated 2025-11-26.

Conditions:
Fanconi anemia (FA). Also called: Fanconi's anemia. Identifiers: Orphanet 84, MedGen C0015625, MeSH D005199, MONDO:0019391.
FANCM-related disorder. Also called: FANCM-related condition.
Inborn genetic diseases. Identifiers: MedGen C0950123, MeSH D030342.
Hereditary cancer-predisposing syndrome. Also called: Neoplastic Syndromes, Hereditary; Tumor predisposition; Hereditary neoplastic syndrome; Hereditary Cancer Syndrome. Identifiers: Orphanet 140162, MedGen C0027672, MeSH D009386, MONDO:0015356.

Allele frequency attached by ClinVar (database versions not stated): ExAC 0.00026; gnomAD 0.00051; ESP Exome Variant Server 0.00069; TOPMed 0.00085; gnomAD exomes 0.00008 and 0.00025; 1000 Genomes Project 30x 0.00016; 1000 Genomes Project 0.00020.
gnomAD v4.1: 242 of 1,614,084 alleles (0.015%); highest among the groups gnomAD compares: African/African-American, 0.21%; no homozygotes.

Submissions (8):

Labcorp Genetics (formerly Invitae), Labcorp
Classification: Likely benign for Fanconi anemia. Last evaluated: 2025-11-26. Review status: criteria provided, single submitter. Criteria: Invitae Variant Classification Sherloc (09022015). Collection method: clinical testing. Allele origin: germline.

PreventionGenetics, part of Exact Sciences
Classification: Likely benign for FANCM-related condition. Last evaluated: 2025-09-03. Review status: criteria provided, single submitter. Criteria: ACMG Guidelines, 2015. Collection method: clinical testing. Allele origin: germline.
Comment: This variant is classified as likely benign based on ACMG/AMP sequence variant interpretation guidelines (Richards et al. 2015 PMID: 25741868, with internal and published modifications).

CeGaT Center for Human Genetics Tuebingen
Classification: Likely benign. Last evaluated: 2025-04-01. Review status: criteria provided, single submitter. Criteria: CeGaT Center For Human Genetics Tuebingen Variant Classification Criteria Version 2. Collection method: clinical testing. Allele origin: germline. Affected: yes. Observed: 2 variant alleles.
Comment: FANCM: BP4, BP7

Quest Diagnostics Nichols Institute San Juan Capistrano
Classification: Benign. Last evaluated: 2025-03-19. Review status: criteria provided, single submitter. Criteria: Quest Diagnostics criteria. Collection method: clinical testing. Allele origin: unknown.

Blueprint Genetics
Classification: Likely benign. Last evaluated: 2024-10-04. Review status: criteria provided, single submitter. Criteria: ACMG Guidelines, 2015. Collection method: clinical testing. Allele origin: germline.

Ambry Genetics
Classification: Likely benign for Inborn genetic diseases. Last evaluated: 2024-10-02. Review status: criteria provided, single submitter. Criteria: Ambry Variant Classification Scheme 2023. Collection method: clinical testing. Allele origin: germline.

Sema4
Classification: Likely benign for Hereditary cancer-predisposing syndrome. Last evaluated: 2021-06-14. Review status: criteria provided, single submitter. Criteria: Sema4 Curation Guidelines. Collection method: curation. Allele origin: germline.

GeneDx
Classification: Likely benign. Last evaluated: 2020-12-18. Review status: criteria provided, single submitter. Criteria: GeneDx Variant Classification Process June 2021. Collection method: clinical testing. Allele origin: germline. Affected: yes.

Literature cited by the submitters: PubMed 32235514 (cited by Quest Diagnostics Nichols Institute San Juan Capistrano); PubMed 39595984 (cited by Quest Diagnostics Nichols Institute San Juan Capistrano).